The following is an entry in ClinVar:

ClinVar aggregate classification (germline): Conflicting classifications of pathogenicity. Review status: criteria provided, conflicting classifications (1 of 4 stars). 5 submissions from 5 submitters: Uncertain significance (4); Likely benign (1). Last evaluated 2026-01-22.

Conditions:
Hereditary cancer-predisposing syndrome. Also called: Hereditary Cancer Syndrome; Hereditary neoplastic syndrome; Neoplastic Syndromes, Hereditary; Tumor predisposition. Identifiers: Orphanet 140162, MedGen C0027672, MeSH D009386, MONDO:0015356.
Familial colorectal cancer type X. Identifiers: Orphanet 440437, MedGen C3896578, MONDO:0018604.
Polymerase proofreading-related adenomatous polyposis. Also called: Polymerase proofreading associated polyposis; Polymerase proofreading–associated polyposis (PPAP). Identifiers: Orphanet 447877, MedGen C5202613, MONDO:0018653.

Allele frequency attached by ClinVar (database versions not stated): ExAC 0.00001; gnomAD 0.00001; gnomAD exomes 0.00001; TOPMed 0.00002; ESP Exome Variant Server 0.00008.
gnomAD v4.1: 18 of 1,614,072 alleles (0.0011%); highest among the groups gnomAD compares: African/African-American, 0.004%; no homozygotes.

Submissions (5):

Labcorp Genetics (formerly Invitae), Labcorp
Classification: Uncertain significance. Last evaluated: 2026-01-22. Review status: criteria provided, single submitter. Criteria: Invitae Variant Classification Sherloc (09022015). Collection method: clinical testing. Allele origin: germline.
Comment: This sequence change replaces arginine, which is basic and polar, with histidine, which is basic and polar, at codon 579 of the POLE protein (p.Arg579His). This variant is present in population databases (rs149296223, gnomAD 0.007%). This variant has not been reported in the literature in individuals affected with POLE-related conditions. ClinVar contains an entry for this variant (Variation ID: 405660). Invitae Evidence Modeling of protein sequence and biophysical properties (such as structural, functional, and spatial information, amino acid conservation, physicochemical variation, residue mobility, and thermodynamic stability) indicates that this missense variant is not expected to disrupt POLE protein function with a negative predictive value of 80%. In summary, the available evidence is currently insufficient to determine the role of this variant in disease. Therefore, it has been classified as a Variant of Uncertain Significance.

Center for Genomic Medicine, Rigshospitalet, Copenhagen University Hospital
Classification: Uncertain significance. Last evaluated: 2025-03-04. Review status: criteria provided, single submitter. Criteria: ACMG Guidelines, 2015. Collection method: clinical testing. Allele origin: germline.

Ambry Genetics
Classification: Likely benign for Hereditary cancer-predisposing syndrome. Last evaluated: 2024-12-23. Review status: criteria provided, single submitter. Criteria: Ambry Variant Classification Scheme 2023. Collection method: clinical testing. Allele origin: germline.

Department of Pathology and Laboratory Medicine, Sinai Health System
Classification: Uncertain significance for Polymerase proofreading-related adenomatous polyposis; Familial colorectal cancer type X. Last evaluated: 2024-05-24. Review status: criteria provided, single submitter. Criteria: ACMG Guidelines, 2015. Collection method: clinical testing. Allele origin: germline. Affected: yes.

GeneDx
Classification: Uncertain significance. Last evaluated: 2023-07-10. Review status: criteria provided, single submitter. Criteria: GeneDx Variant Classification Process June 2021. Collection method: clinical testing. Allele origin: germline. Affected: yes.
Comment: Not observed at significant frequency in large population cohorts (gnomAD); In silico analysis supports that this missense variant does not alter protein structure/function; Has not been previously published as pathogenic or benign to our knowledge

NM_006231.4(POLE):c.1736G>A (p.Arg579His)

Gene: POLE (DNA polymerase epsilon, catalytic subunit; minus strand). Cytogenetic location: 12q24.33.
Variant type: single nucleotide variant.
Coding change: c.1736G>A on transcript NM_006231.4 (MANE Select); coding-DNA position 1736, G replaced by A.
Protein change: p.Arg579His; replaces arginine 579 with histidine.
Molecular consequence: missense variant.
Genome position (GRCh38, 1-based): chr12:132,672,273, C>T on the plus strand (G>A on the coding strand, the complement: POLE is on the minus strand). VCF-style: chr12-132672273-C-T. GRCh37 (hg19) VCF-style: chr12-133248859-C-T.
Other names: short protein forms R579H.
Identifiers: ClinVar variation 405660 (VCV000405660.15), dbSNP rs149296223, ClinGen allele CA6893846.